The following is an entry in ClinVar:

ClinVar aggregate classification (germline): Uncertain significance (1 of 4 stars; one submission).

Conditions:
Hereditary cancer-predisposing syndrome. Also called: Hereditary Cancer Syndrome; Tumor predisposition; Hereditary neoplastic syndrome; Neoplastic Syndromes, Hereditary. Identifiers: Orphanet 140162, MedGen C0027672, MeSH D009386, MONDO:0015356.

Submission:

Ambry Genetics
Classification: Uncertain significance for Hereditary cancer-predisposing syndrome. Last evaluated: 2024-06-03. Review status: criteria provided, single submitter. Criteria: Ambry Variant Classification Scheme 2023. Collection method: clinical testing. Allele origin: germline.
Comment: The p.E2874G variant (also known as c.8621A>G), located in coding exon 19 of the BRCA2 gene, results from an A to G substitution at nucleotide position 8621. The glutamic acid at codon 2874 is replaced by glycine, an amino acid with similar properties. This amino acid position is conserved. In addition, the in silico prediction for this alteration is inconclusive. Based on the available evidence, the clinical significance of this variant remains unclear.

NM_000059.4(BRCA2):c.8621A>G (p.Glu2874Gly)

Gene: BRCA2 (BRCA2 DNA repair associated; plus strand). Cytogenetic location: 13q13.1.
Variant type: single nucleotide variant.
Coding change: c.8621A>G on transcript NM_000059.4 (MANE Select); coding-DNA position 8621, A replaced by G.
Protein change: p.Glu2874Gly; replaces glutamic acid 2874 with glycine.
Molecular consequence: missense variant. On other transcripts: non-coding transcript variant (1).
Genome position (GRCh38, 1-based): chr13:32,371,089, A>G. VCF-style: chr13-32371089-A-G. GRCh37 (hg19) VCF-style: chr13-32945226-A-G.
Other names: c.8525A>G, p.Glu2842Gly (NM_001406719.1); c.8621A>G, p.Glu2874Gly (NM_001406720.1); c.3689A>G, p.Glu1230Gly (NM_001406721.1); c.2204A>G, p.Glu735Gly (NM_001406722.1); short protein forms E2842G, E735G, E1230G, E2874G.
Identifiers: ClinVar variation 3261509 (VCV003261509.1).